The following is an entry in ClinVar:

NM_031407.7(HUWE1):c.2848G>A (p.Val950Ile)

Gene: HUWE1 (HECT, UBA and WWE domain containing E3 ubiquitin protein ligase 1; minus strand). Cytogenetic location: Xp11.22.
Variant type: single nucleotide variant.
Coding change: c.2848G>A on transcript NM_031407.7 (MANE Select); coding-DNA position 2848, G replaced by A.
Protein change: p.Val950Ile; replaces valine 950 with isoleucine.
Molecular consequence: missense variant.
Genome position (GRCh38, 1-based): chrX:53,603,396, C>T on the plus strand (G>A on the coding strand, the complement: HUWE1 is on the minus strand). VCF-style: chrX-53603396-C-T. GRCh37 (hg19) VCF-style: chrX-53630357-C-T.
Other names: c.2848G>A, p.Val950Ile (NM_001441048.1, NM_001441049.1, NM_001441051.1 and 6 more transcripts); c.2869G>A, p.Val957Ile (NM_001441050.1, NM_001441055.1); short protein forms V950I, V957I.
Identifiers: ClinVar variation 5009769 (VCV005009769.1).
Genomic context (GRCh38, chrX:53,603,396, plus strand): 5'-CAAAGTAATAAGAGAGAGAGCCATTCTCTTACCTGTTTGGGGTACACAGAGAGAGGAGGA[C>T]AGTGCTTTCCCACACCAGGGAACAGTATAACTGGCTCAGCTTGCTCAAAACACTCAGACC-3'
Protein context (NP_113584.3, residues 940-960): LYCSLVWEST[Val950Ile]LLSLCTPNSL

ClinVar aggregate classification (germline): Uncertain significance (1 of 4 stars; one submission).

Submission:

GeneDx
Classification: Uncertain significance. Last evaluated: 2026-02-22. Review status: criteria provided, single submitter. Criteria: GeneDx Variant Classification Process June 2021. Collection method: clinical testing. Allele origin: germline.
Comment: Not observed at significant frequency in large population cohorts (gnomAD); In silico analysis suggests that this missense variant does not alter protein structure/function; Has not been previously published as pathogenic or benign to our knowledge